The following is an entry in ClinVar:

NM_024809.5(TCTN2):c.1403G>T (p.Gly468Val)

Gene: TCTN2 (tectonic family member 2; plus strand). Cytogenetic location: 12q24.31.
Variant type: single nucleotide variant.
Coding change: c.1403G>T on transcript NM_024809.5 (MANE Select); coding-DNA position 1403, G replaced by T.
Protein change: p.Gly468Val; replaces glycine 468 with valine.
Molecular consequence: missense variant.
Genome position (GRCh38, 1-based): chr12:123,697,096, G>T. VCF-style: chr12-123697096-G-T. GRCh37 (hg19) VCF-style: chr12-124181643-G-T.
Other names: c.1400G>T, p.Gly467Val (NM_001143850.3); short protein forms G467V, G468V.
Identifiers: ClinVar variation 1415006 (VCV001415006.6), dbSNP rs1345786491, ClinGen allele CA387144731.

ClinVar aggregate classification (germline): Uncertain significance (1 of 4 stars; one submission).

Conditions:
Joubert syndrome. Also called: CEREBELLOPARENCHYMAL DISORDER IV; JOUBERT-BOLTSHAUSER SYNDROME; Familial aplasia of the vermis. Identifiers: Orphanet 475, MedGen C5979921, MONDO:0018772.
Meckel-Gruber syndrome. Also called: DYSENCEPHALIA SPLANCHNOCYSTICA; GRUBER SYNDROME; Dysencephalia splachnocystica. Identifiers: Orphanet 564, MedGen C0265215, MONDO:0018921.

Allele frequency attached by ClinVar (database versions not stated): gnomAD exomes below 0.00001.

Submission:

Labcorp Genetics (formerly Invitae), Labcorp
Classification: Uncertain significance for Joubert syndrome; Meckel-Gruber syndrome. Last evaluated: 2022-12-21. Review status: criteria provided, single submitter. Criteria: Invitae Variant Classification Sherloc (09022015). Collection method: clinical testing. Allele origin: germline.
Comment: This sequence change replaces glycine, which is neutral and non-polar, with valine, which is neutral and non-polar, at codon 468 of the TCTN2 protein (p.Gly468Val). This variant is present in population databases (no rsID available, gnomAD 0.003%). This variant has not been reported in the literature in individuals affected with TCTN2-related conditions. ClinVar contains an entry for this variant (Variation ID: 1415006). Advanced modeling of protein sequence and biophysical properties (such as structural, functional, and spatial information, amino acid conservation, physicochemical variation, residue mobility, and thermodynamic stability) performed at Invitae indicates that this missense variant is expected to disrupt TCTN2 protein function. In summary, the available evidence is currently insufficient to determine the role of this variant in disease. Therefore, it has been classified as a Variant of Uncertain Significance.